The following is an entry in ClinVar:

ClinVar aggregate classification (germline): Likely benign (1 of 4 stars; one submission).

gnomAD v4.1: 96 of 1,613,672 alleles (0.0059%); highest among the groups gnomAD compares: Middle Eastern, 0.016%; no homozygotes.

Submission:

CeGaT Center for Human Genetics Tuebingen
Classification: Likely benign. Last evaluated: 2025-01-01. Review status: criteria provided, single submitter. Criteria: CeGaT Center For Human Genetics Tuebingen Variant Classification Criteria Version 2. Collection method: clinical testing. Allele origin: germline. Affected: yes. Observed: 1 variant allele.
Comment: SPEN: BP4, BP7

NM_015001.3(SPEN):c.10302T>C (p.Pro3434=)

Gene: SPEN (spen family transcriptional repressor; plus strand). Cytogenetic location: 1p36.13.
Variant type: single nucleotide variant.
Coding change: c.10302T>C on transcript NM_015001.3 (MANE Select); coding-DNA position 10302, T replaced by C.
Protein change: p.Pro3434=; no amino-acid change (proline 3434 retained).
Molecular consequence: synonymous variant.
Genome position (GRCh38, 1-based): chr1:15,937,438, T>C. VCF-style: chr1-15937438-T-C. GRCh37 (hg19) VCF-style: chr1-16263933-T-C.
Identifiers: ClinVar variation 3771023 (VCV003771023.13).